The following is an entry in ClinVar:

NM_001378615.1(CC2D2A):c.2625+1G>A

Genes: CC2D2A (coiled-coil and C2 domain containing 2A; plus strand), FBXL5 (F-box and leucine rich repeat protein 5; minus strand). Cytogenetic location: 4p15.32.
Variant type: single nucleotide variant.
Coding change: c.2625+1G>A on transcript NM_001378615.1 (MANE Select); the canonical splice donor site of the intron after coding-DNA position 2625, G replaced by A.
Molecular consequence: splice donor variant.
Genome position (GRCh38, 1-based): chr4:15,555,211, G>A. VCF-style: chr4-15555211-G-A. GRCh37 (hg19) VCF-style: chr4-15556834-G-A.
Other names: c.2625+1G>A (NM_001080522.2); c.2478+1G>A (NM_001378617.1).
Identifiers: ClinVar variation 644347 (VCV000644347.10), dbSNP rs1577372471, ClinGen allele CA356420893.
Genomic context (GRCh38, chr4:15,555,211, plus strand): 5'-GCAGAGTCCAAGCTCGACCCAAATGACCCCAACAATGCCCCTTTGATGCAGCTTATCTCG[G>A]TATGTAGCAGGAGGCACACATGCCATTTCTTGACTTGGCCTTTTACACAATTTTCCTTTA-3'

ClinVar aggregate classification (germline): Pathogenic/Likely pathogenic. Review status: criteria provided, multiple submitters, no conflicts (2 of 4 stars). 2 submissions from 2 submitters: Pathogenic (1); Likely pathogenic (1). Last evaluated 2024-03-06.

Conditions:
Joubert syndrome. Also called: JOUBERT-BOLTSHAUSER SYNDROME; Familial aplasia of the vermis. Identifiers: Orphanet 475, MedGen C5979921, MONDO:0018772.
Meckel-Gruber syndrome. Also called: Dysencephalia splachnocystica; DYSENCEPHALIA SPLANCHNOCYSTICA; GRUBER SYNDROME. Identifiers: Orphanet 564, MedGen C0265215, MONDO:0018921.
Joubert syndrome 9 (JBTS9). Identifiers: Orphanet 2318, MedGen C2676788, MONDO:0012849, OMIM 612285.
Meckel syndrome, type 6. Identifiers: Orphanet 564, MedGen C2676790, MONDO:0012848, OMIM 612284.
Retinitis pigmentosa 93. Identifiers: MedGen C5676970, MONDO:0030797, OMIM 619845.
COACH syndrome 2. Identifiers: MedGen C5436837, MONDO:0030859, OMIM 619111.

Allele frequency attached by ClinVar (database versions not stated): gnomAD exomes below 0.00001.
gnomAD v4.1: 1 of 1,612,150 alleles (0.000062%); highest among the groups gnomAD compares: Non-Finnish European, 0.000085%; no homozygotes.

Submissions (2):

Fulgent Genetics
Classification: Likely pathogenic for Meckel syndrome, type 6; Joubert syndrome 9; COACH syndrome 2; Retinitis pigmentosa 93. Last evaluated: 2024-03-06. Review status: criteria provided, single submitter. Criteria: ACMG Guidelines, 2015. Collection method: clinical testing. Allele origin: germline.

Labcorp Genetics (formerly Invitae), Labcorp
Classification: Pathogenic for Joubert syndrome; Meckel-Gruber syndrome. Last evaluated: 2024-01-22. Review status: criteria provided, single submitter. Criteria: Invitae Variant Classification Sherloc (09022015). Collection method: clinical testing. Allele origin: germline.
Comment: This sequence change affects a donor splice site in intron 21 of the CC2D2A gene. It is expected to disrupt RNA splicing. Variants that disrupt the donor or acceptor splice site typically lead to a loss of protein function (PMID: 16199547), and loss-of-function variants in CC2D2A are known to be pathogenic (PMID: 19777577). This variant is not present in population databases (gnomAD no frequency). Disruption of this splice site has been observed in individual(s) with clinical features of Meckel-Gruber syndrome (Invitae). In at least one individual the data is consistent with being in trans (on the opposite chromosome) from a pathogenic variant. ClinVar contains an entry for this variant (Variation ID: 644347). Algorithms developed to predict the effect of sequence changes on RNA splicing suggest that this variant may disrupt the consensus splice site. For these reasons, this variant has been classified as Pathogenic.

Literature cited by the submitters: PubMed 16199547 (cited by Labcorp Genetics (formerly Invitae), Labcorp); PubMed 19777577 (cited by Labcorp Genetics (formerly Invitae), Labcorp).